The following is an entry in ClinVar:

ClinVar aggregate classification (germline): Uncertain significance. Review status: criteria provided, multiple submitters, no conflicts (2 of 4 stars). 3 submissions from 3 submitters: Uncertain significance (3). Last evaluated 2026-08-10.

Conditions:
Myofibrillar myopathy 5. Also called: Filaminopathy (type); FILAMINOPATHY, AUTOSOMAL DOMINANT. Identifiers: Orphanet 171445, MedGen C1836050, MONDO:0012289, OMIM 609524.
Distal myopathy with posterior leg and anterior hand involvement. Also called: WILLIAMS DISTAL MYOPATHY. Identifiers: Orphanet 63273, MedGen C3279722, MONDO:0013550, OMIM 614065.
Hypertrophic cardiomyopathy 26. Also called: Cardiomyopathy, familial hypertrophic, 26. Identifiers: Orphanet 75249, MedGen C4310749, MONDO:0014883, OMIM 617047.
Cardiovascular phenotype. Identifiers: MedGen CN230736.

Allele frequency attached by ClinVar (database versions not stated): gnomAD 0.00001; gnomAD exomes 0.00001; TOPMed 0.00002.
gnomAD v4.1: 13 of 1,613,374 alleles (0.00081%); highest among the groups gnomAD compares: Non-Finnish European, 0.0011%; no homozygotes.

Submissions (3):

Ambry Genetics
Classification: Uncertain significance for Cardiovascular phenotype. Last evaluated: 2026-08-10. Review status: criteria provided, single submitter. Criteria: Ambry Variant Classification Scheme 2023. Collection method: clinical testing. Allele origin: germline.
Comment: The p.E1492K variant (also known as c.4474G>A), located in coding exon 26 of the FLNC gene, results from a G to A substitution at nucleotide position 4474. The glutamic acid at codon 1492 is replaced by lysine, an amino acid with similar properties. This amino acid position is conserved. In addition, this alteration is predicted to be tolerated by in silico analysis. Based on the available evidence, the clinical significance of this variant remains unclear.

Labcorp Genetics (formerly Invitae), Labcorp
Classification: Uncertain significance for Distal myopathy with posterior leg and anterior hand involvement; Myofibrillar myopathy 5; Hypertrophic cardiomyopathy 26. Last evaluated: 2025-12-01. Review status: criteria provided, single submitter. Criteria: Invitae Variant Classification Sherloc (09022015). Collection method: clinical testing. Allele origin: germline.
Comment: This sequence change replaces glutamic acid, which is acidic and polar, with lysine, which is basic and polar, at codon 1492 of the FLNC protein (p.Glu1492Lys). This variant is not present in population databases (gnomAD no frequency). This variant has not been reported in the literature in individuals affected with FLNC-related conditions. ClinVar contains an entry for this variant (Variation ID: 574130). Invitae Evidence Modeling of protein sequence and biophysical properties (such as structural, functional, and spatial information, amino acid conservation, physicochemical variation, residue mobility, and thermodynamic stability) has been performed for this missense variant. However, the output from this modeling did not meet the statistical confidence thresholds required to predict the impact of this variant on FLNC protein function. In summary, the available evidence is currently insufficient to determine the role of this variant in disease. Therefore, it has been classified as a Variant of Uncertain Significance.

Fulgent Genetics
Classification: Uncertain significance for Myofibrillar myopathy 5; Distal myopathy with posterior leg and anterior hand involvement; Hypertrophic cardiomyopathy 26. Last evaluated: 2024-05-14. Review status: criteria provided, single submitter. Criteria: ACMG Guidelines, 2015. Collection method: clinical testing. Allele origin: germline.

NM_001458.5(FLNC):c.4474G>A (p.Glu1492Lys)

Gene: FLNC (filamin C; plus strand). Cytogenetic location: 7q32.1.
Variant type: single nucleotide variant.
Coding change: c.4474G>A on transcript NM_001458.5 (MANE Select); coding-DNA position 4474, G replaced by A.
Protein change: p.Glu1492Lys; replaces glutamic acid 1492 with lysine.
Molecular consequence: missense variant.
Genome position (GRCh38, 1-based): chr7:128,847,962, G>A. VCF-style: chr7-128847962-G-A. GRCh37 (hg19) VCF-style: chr7-128488016-G-A.
Other names: c.4474G>A, p.Glu1492Lys (NM_001127487.2); short protein forms E1492K.
Identifiers: ClinVar variation 574130 (VCV000574130.10), dbSNP rs71581926, ClinGen allele CA166183270.